The following is an entry in ClinVar:

NM_000051.4(ATM):c.7600G>C (p.Gly2534Arg)

Genes: ATM (ATM serine/threonine kinase; plus strand), C11orf65 (chromosome 11 open reading frame 65; minus strand). Cytogenetic location: 11q22.3.
Variant type: single nucleotide variant.
Coding change: c.7600G>C on transcript NM_000051.4 (MANE Select); coding-DNA position 7600, G replaced by C.
Protein change: p.Gly2534Arg; replaces glycine 2534 with arginine.
Molecular consequence: missense variant. On other transcripts: intron variant (2), non-coding transcript variant (1).
Genome position (GRCh38, 1-based): chr11:108,331,528, G>C. VCF-style: chr11-108331528-G-C. GRCh37 (hg19) VCF-style: chr11-108202255-G-C.
Other names: c.7600G>C, p.Gly2534Arg (NM_001351834.2); c.641-22457C>G (NM_001330368.2); c.*38+3692C>G (NM_001351110.2); short protein forms G2534R.
Identifiers: ClinVar variation 1332279 (VCV001332279.4), dbSNP rs1555124094, ClinGen allele CA382560811.

ClinVar aggregate classification (germline): Uncertain significance (1 of 4 stars; one submission).

Conditions:
Hereditary cancer-predisposing syndrome. Also called: Tumor predisposition; Neoplastic Syndromes, Hereditary; Hereditary Cancer Syndrome; Hereditary neoplastic syndrome. Identifiers: Orphanet 140162, MedGen C0027672, MeSH D009386, MONDO:0015356.

Allele frequency attached by ClinVar (database versions not stated): gnomAD exomes below 0.00001.
gnomAD v4.1: 4 of 1,612,690 alleles (0.00025%); highest among the groups gnomAD compares: Non-Finnish European, 0.00034%; no homozygotes.

Submission:

Color Diagnostics, LLC DBA Color Health
Classification: Uncertain significance for Hereditary cancer-predisposing syndrome. Last evaluated: 2024-03-06. Review status: criteria provided, single submitter. Criteria: ACMG Guidelines, 2015. Collection method: clinical testing. Allele origin: germline.
Comment: This missense variant replaces glycine with arginine at codon 2534 of the ATM protein. Computational prediction suggests that this variant may not impact protein structure and function (internally defined REVEL score threshold <= 0.5, PMID: 27666373). To our knowledge, functional studies have not been reported for this variant. This variant has not been reported in individuals affected with hereditary cancer in the literature. This variant has not been identified in the general population by the Genome Aggregation Database (gnomAD). The available evidence is insufficient to determine the role of this variant in disease conclusively. Therefore, this variant is classified as a Variant of Uncertain Significance.